The following is an entry in ClinVar:

NM_012120.3(CD2AP):c.*2241A>T

Gene: CD2AP (CD2 associated protein; plus strand). Cytogenetic location: 6p12.3.
Variant type: single nucleotide variant.
Coding change: c.*2241A>T on transcript NM_012120.3 (MANE Select); 2241 bases downstream of the stop codon, A replaced by T.
Molecular consequence: 3 prime UTR variant.
Genome position (GRCh38, 1-based): chr6:47,626,468, A>T. VCF-style: chr6-47626468-A-T. GRCh37 (hg19) VCF-style: chr6-47594204-A-T.
Identifiers: ClinVar variation 357227 (VCV000357227.5), dbSNP rs151064033, ClinGen allele CA10622321.

ClinVar aggregate classification (germline): Benign (1 of 4 stars; one submission).

Conditions:
Focal segmental glomerulosclerosis 3, susceptibility to (FSGS3). Identifiers: Orphanet 656, MedGen C1842982, MONDO:0011917, OMIM 607832.

Allele frequency attached by ClinVar (database versions not stated): TOPMed 0.00372; gnomAD 0.00507; 1000 Genomes Project 30x 0.00593; 1000 Genomes Project 0.00639; gnomAD exomes 0.01402.
gnomAD v4.1: 736 of 152,514 alleles (0.48%); highest among the groups gnomAD compares: South Asian, 2.1%; 3 homozygotes.

Submission:

Illumina Laboratory Services, Illumina
Classification: Benign for Focal segmental glomerulosclerosis 3, susceptibility to. Last evaluated: 2018-01-13. Review status: criteria provided, single submitter. Criteria: ICSL Variant Classification Criteria 13 December 2019. Collection method: clinical testing. Allele origin: germline.
Comment: This variant was observed in the ICSL laboratory as part of a predisposition screen in an ostensibly healthy population. It had not been previously curated by ICSL or reported in the Human Gene Mutation Database (HGMD: prior to June 1st, 2018), and was therefore a candidate for classification through an automated scoring system. Utilizing variant allele frequency, disease prevalence and penetrance estimates, and inheritance mode, an automated score was calculated to assess if this variant is too frequent to cause the disease. Based on the score and internal cut-off values, a variant classified as benign is not then subjected to further curation. The score for this variant resulted in a classification of benign for this disease.